The following is an entry in ClinVar:

ClinVar aggregate classification (germline): Uncertain significance (1 of 4 stars; one submission).

Conditions:
KMT2D-related disorder. Also called: KMT2D-Related Disorders.

Submission:

PreventionGenetics, part of Exact Sciences
Classification: Uncertain significance for KMT2D-related condition. Last evaluated: 2025-05-12. Review status: criteria provided, single submitter. Criteria: ACMG Guidelines, 2015. Collection method: clinical testing. Allele origin: germline.
Comment: The KMT2D c.2072C>T variant is predicted to result in the amino acid substitution p.Pro691Leu. To our knowledge, this variant has not been reported in the literature or in a large population database (gnomAD), indicating this variant is rare. At this time, the clinical significance of this variant is uncertain due to the absence of conclusive functional and genetic evidence.

NM_003482.4(KMT2D):c.2072C>T (p.Pro691Leu)

Gene: KMT2D (lysine methyltransferase 2D; minus strand). Cytogenetic location: 12q13.12.
Variant type: single nucleotide variant.
Coding change: c.2072C>T on transcript NM_003482.4 (MANE Select); coding-DNA position 2072, C replaced by T.
Protein change: p.Pro691Leu; replaces proline 691 with leucine.
Molecular consequence: missense variant.
Genome position (GRCh38, 1-based): chr12:49,051,611, G>A on the plus strand (C>T on the coding strand, the complement: KMT2D is on the minus strand). VCF-style: chr12-49051611-G-A. GRCh37 (hg19) VCF-style: chr12-49445394-G-A.
Other names: short protein forms P691L.
Identifiers: ClinVar variation 4997867 (VCV004997867.1).
Genomic context (GRCh38, chr12:49,051,611, plus strand): 5'-GGTGGTGGGGAAGCAGGTGAGTCCTCAGGTGGTGGGGATGTGGGGGAGTCCTCAGGTGGT[G>A]GGGAGAGGCGTGAAGCCTCAGGTGGAGGGGACGTGGGAGACTCCTCAGGCGGTGGGGACA-3'
Protein context (NP_003473.3, residues 681-701): SPPPEASRLS[Pro691Leu]PPEDSPTSPP